The following is an entry in ClinVar:

ClinVar aggregate classification (germline): Uncertain significance (1 of 4 stars; one submission).

Allele frequency attached by ClinVar (database versions not stated): gnomAD 0.00001; ExAC 0.00003; gnomAD exomes 0.00003.
gnomAD v4.1: 7 of 1,580,122 alleles (0.00044%); highest among the groups gnomAD compares: Admixed American, 0.011%; no homozygotes.

Submission:

Labcorp Genetics (formerly Invitae), Labcorp
Classification: Uncertain significance. Last evaluated: 2024-10-29. Review status: criteria provided, single submitter. Criteria: Invitae Variant Classification Sherloc (09022015). Collection method: clinical testing. Allele origin: germline.
Comment: This sequence change replaces glycine, which is neutral and non-polar, with alanine, which is neutral and non-polar, at codon 2390 of the FN1 protein (p.Gly2390Ala). This variant is present in population databases (rs754229346, gnomAD 0.02%). This variant has not been reported in the literature in individuals affected with FN1-related conditions. ClinVar contains an entry for this variant (Variation ID: 1356070). An algorithm developed to predict the effect of missense changes on protein structure and function (PolyPhen-2) suggests that this variant is likely to be disruptive. In summary, the available evidence is currently insufficient to determine the role of this variant in disease. Therefore, it has been classified as a Variant of Uncertain Significance.

NM_212482.4(FN1):c.7169G>C (p.Gly2390Ala)

Genes: ATIC (5-aminoimidazole-4-carboxamide ribonucleotide formyltransferase/IMP cyclohydrolase; plus strand), FN1 (fibronectin 1; minus strand). Cytogenetic location: 2q35.
Variant type: single nucleotide variant.
Coding change: c.7169G>C on transcript NM_212482.4 (MANE Select); coding-DNA position 7169, G replaced by C.
Protein change: p.Gly2390Ala; replaces glycine 2390 with alanine.
Molecular consequence: missense variant.
Genome position (GRCh38, 1-based): chr2:215,364,961, C>G on the plus strand (G>C on the coding strand, the complement: FN1 is on the minus strand). VCF-style: chr2-215364961-C-G. GRCh37 (hg19) VCF-style: chr2-216229684-C-G.
Other names: c.7076G>C, p.Gly2359Ala (NM_001306129.2); c.6539G>C, p.Gly2180Ala (NM_001306130.2); c.6533G>C, p.Gly2178Ala (NM_001306131.2); c.6458G>C, p.Gly2153Ala (NM_001306132.2); c.6899G>C, p.Gly2300Ala (NM_001365517.2); c.6896G>C, p.Gly2299Ala (NM_001365518.2); c.6824G>C, p.Gly2275Ala (NM_001365519.2); c.6821G>C, p.Gly2274Ala (NM_001365520.2); and 8 more; short protein forms G2089A, G2184A, G2209A, G2269A, G2299A, G2178A, G2244A, G2268A.
Identifiers: ClinVar variation 1356070 (VCV001356070.6), dbSNP rs754229346, ClinGen allele CA2093627.